The following is an entry in ClinVar:

NM_133433.4(NIPBL):c.1987C>T (p.Gln663Ter)

Gene: NIPBL (NIPBL cohesin loading factor; plus strand). Cytogenetic location: 5p13.2.
Variant type: single nucleotide variant.
Coding change: c.1987C>T on transcript NM_133433.4 (MANE Select); coding-DNA position 1987, C replaced by T.
Protein change: p.Gln663Ter; replaces glutamine 663 with a stop codon.
Molecular consequence: nonsense.
Genome position (GRCh38, 1-based): chr5:36,985,167, C>T. VCF-style: chr5-36985167-C-T. GRCh37 (hg19) VCF-style: chr5-36985269-C-T.
Other names: c.1987C>T, p.Gln663Ter (NM_001438586.1, NM_015384.5); short protein forms Q663*.
Identifiers: ClinVar variation 4730834 (VCV004730834.1).

ClinVar aggregate classification (germline): Pathogenic (1 of 4 stars; one submission).

Conditions:
Cornelia de Lange syndrome 1 (CDLS1). Also called: TYPUS DEGENERATIVUS AMSTELODAMENSIS; Brachmann de Lange syndrome; NIPBL-Related Cornelia de Lange Syndrome. Identifiers: Orphanet 199, MedGen C4551851, MONDO:0007387, OMIM 122470.

Submission:

Labcorp Genetics (formerly Invitae), Labcorp
Classification: Pathogenic for Cornelia de Lange syndrome 1. Last evaluated: 2025-11-09. Review status: criteria provided, single submitter. Criteria: Invitae Variant Classification Sherloc (09022015). Collection method: clinical testing. Allele origin: germline.
Comment: This sequence change creates a premature translational stop signal (p.Gln663*) in the NIPBL gene. It is expected to result in an absent or disrupted protein product. Loss-of-function variants in NIPBL are known to be pathogenic (PMID: 15318302, 19763162, 23505322, 29995837). This variant is not present in population databases (gnomAD no frequency). This variant has not been reported in the literature in individuals affected with NIPBL-related conditions. For these reasons, this variant has been classified as Pathogenic.

Literature cited by the submitters: PubMed 15318302; PubMed 19763162; PubMed 23505322; PubMed 29995837.